The following is an entry in ClinVar:

ClinVar aggregate classification (germline): Uncertain significance. Review status: criteria provided, multiple submitters, no conflicts (2 of 4 stars). 2 submissions from 2 submitters: Uncertain significance (2). Last evaluated 2020-03-04.

Conditions:
Cortical dysplasia-focal epilepsy syndrome (PTHSL1). Also called: Pitt-Hopkins-like syndrome 1. Identifiers: Orphanet 163681, Orphanet 221150, MedGen C2750246, MONDO:0012400, OMIM 610042.

Submissions (2):

Labcorp Genetics (formerly Invitae), Labcorp
Classification: Uncertain significance for Cortical dysplasia-focal epilepsy syndrome. Last evaluated: 2020-03-04. Review status: criteria provided, single submitter. Criteria: Invitae Variant Classification Sherloc (09022015). Collection method: clinical testing. Allele origin: germline.
Comment: This sequence change falls in intron 4 of the CNTNAP2 gene. It does not directly change the encoded amino acid sequence of the CNTNAP2 protein, but it affects a nucleotide within the consensus splice site of the intron. This variant is not present in population databases (ExAC no frequency). This variant has not been reported in the literature in individuals with CNTNAP2-related conditions. Nucleotide substitutions within the consensus splice site are a relatively common cause of aberrant splicing (PMID: 17576681, 9536098). Algorithms developed to predict the effect of sequence changes on RNA splicing suggest that this variant may disrupt the consensus splice site, but this prediction has not been confirmed by published transcriptional studies. In summary, the available evidence is currently insufficient to determine the role of this variant in disease. Therefore, it has been classified as a Variant of Uncertain Significance.

St. Anna Children's Cancer Research Institute (CCRI)
Classification: Uncertain significance for Cortical dysplasia-focal epilepsy syndrome. Review status: criteria provided, single submitter. Criteria: ACMG Guidelines, 2015. Collection method: research. Allele origin: biparental. Inheritance: Autosomal recessive inheritance. Affected: yes.
Comment: AGMC classification of pathogenicity: PM2 and PP3 (0.66 score according to SpliceAI)

Literature cited by the submitters: PubMed 17576681 (cited by Labcorp Genetics (formerly Invitae), Labcorp); PubMed 9536098 (cited by Labcorp Genetics (formerly Invitae), Labcorp).

NM_014141.6(CNTNAP2):c.550+5G>T

Gene: CNTNAP2 (contactin associated protein 2; plus strand). Cytogenetic location: 7q35.
Variant type: single nucleotide variant.
Coding change: c.550+5G>T on transcript NM_014141.6 (MANE Select); 5 bases into the intron after coding-DNA position 550, G replaced by T.
Molecular consequence: intron variant.
Genome position (GRCh38, 1-based): chr7:147,044,059, G>T. VCF-style: chr7-147044059-G-T. GRCh37 (hg19) VCF-style: chr7-146741151-G-T.
Identifiers: ClinVar variation 1026064 (VCV001026064.4), dbSNP rs1799308778, ClinGen allele CA1750564968.
Genomic context (GRCh38, chr7:147,044,059, plus strand): 5'-TTGGAATGGAGAAGGTCGCATTGGACTCAGAATTGAAGTTTATGGCTGTTCTTACTGTGA[G>T]TATCGTATTGTTTAAATTTGTGGCAGGTTTTATCTTTATTTAAATAGTAAGCTGTTTTAT-3'